The following is an entry in ClinVar:

ClinVar aggregate classification (germline): Uncertain significance (1 of 4 stars; one submission).

Submission:

Labcorp Genetics (formerly Invitae), Labcorp
Classification: Uncertain significance. Last evaluated: 2024-08-28. Review status: criteria provided, single submitter. Criteria: Invitae Variant Classification Sherloc (09022015). Collection method: clinical testing. Allele origin: germline.
Comment: This sequence change replaces valine, which is neutral and non-polar, with methionine, which is neutral and non-polar, at codon 323 of the SIX5 protein (p.Val323Met). This variant is not present in population databases (gnomAD no frequency). This variant has not been reported in the literature in individuals affected with SIX5-related conditions. Invitae Evidence Modeling of protein sequence and biophysical properties (such as structural, functional, and spatial information, amino acid conservation, physicochemical variation, residue mobility, and thermodynamic stability) indicates that this missense variant is not expected to disrupt SIX5 protein function with a negative predictive value of 80%. In summary, the available evidence is currently insufficient to determine the role of this variant in disease. Therefore, it has been classified as a Variant of Uncertain Significance.

NM_175875.5(SIX5):c.967G>A (p.Val323Met)

Genes: SIX5 (SIX homeobox 5; minus strand), LOC107075317 (origin of replication in DMPK trinucleotide repeat region; plus strand). Cytogenetic location: 19q13.32.
Variant type: single nucleotide variant.
Coding change: c.967G>A on transcript NM_175875.5 (MANE Select); coding-DNA position 967, G replaced by A.
Protein change: p.Val323Met; replaces valine 323 with methionine.
Molecular consequence: missense variant.
Genome position (GRCh38, 1-based): chr19:45,766,992, C>T on the plus strand (G>A on the coding strand, the complement: SIX5 is on the minus strand). VCF-style: chr19-45766992-C-T. GRCh37 (hg19) VCF-style: chr19-46270250-C-T.
Other names: short protein forms V323M.
Identifiers: ClinVar variation 3663592 (VCV003663592.2).